The following is an entry in ClinVar:

NC_000015.9:g.(?_25582396)_(25650653_?)dup

Genes: SNHG14 (small nucleolar RNA host gene 14; plus strand), UBE3A (ubiquitin protein ligase E3A; minus strand). Cytogenetic location: 15q11.2.
Variant type: Duplication.
Identifiers: ClinVar variation 417431 (VCV000417431.1).

ClinVar aggregate classification (germline): Uncertain significance (1 of 4 stars; one submission).

Conditions:
Angelman syndrome (AS). Also called: HAPPY PUPPET SYNDROME. Identifiers: Orphanet 72, MedGen C0162635, MONDO:0007113, OMIM 105830. Disease mechanism: loss of function. Inheritance: AS is caused by disruption of maternally imprinted UBE3A located within the 15q11.2-q13 Angelman syndrome/Prader-Willi syndrome (AS/PWS) region., imprinting disorder.

Submission:

Labcorp Genetics (formerly Invitae), Labcorp
Classification: Uncertain significance for Angelman syndrome. Last evaluated: 2016-04-05. Review status: criteria provided, single submitter. Criteria: Invitae Variant Classification Sherloc (09022015). Collection method: clinical testing. Allele origin: germline.
Comment: A gross duplication of the genomic region encompassing the full coding sequence of the UBE3A gene has been identified. The boundaries of this event are unknown as the duplication extends beyond the assayed region for this gene and therefore may encompass additional genes. As the precise location of this duplication is unknown, it may be in tandem or it may be located elsewhere in the genome. A gross duplication of the UBE3A gene has been reported in three family members affected with developmental delay, anxiety and depression (PMID: 25884337). Expression analysis in this family indicated that this duplication results in increased expression of the UBE3A mRNA. In summary, this variant is a gross duplication that is predicted to result in increased expression of the UBE3A gene. Although reported in affected individuals, the available evidence is currently insufficient to establish a definitive correlation between a duplication of UBE3A alone and neurodevelopmental abnormalities. Therefore, this duplication has been classified as a Variant of Uncertain Significance.